The following is an entry in ClinVar:

ClinVar aggregate classification (germline): Uncertain significance (1 of 4 stars; one submission).

Conditions:
Primary ciliary dyskinesia. Also called: Ciliary dyskinesia. Identifiers: Orphanet 244, MedGen C0008780, MONDO:0016575, HP:0012265.

Submission:

Labcorp Genetics (formerly Invitae), Labcorp
Classification: Uncertain significance for Primary ciliary dyskinesia. Last evaluated: 2025-06-02. Review status: criteria provided, single submitter. Criteria: Invitae Variant Classification Sherloc (09022015). Collection method: clinical testing. Allele origin: germline.
Comment: This sequence change replaces valine, which is neutral and non-polar, with glycine, which is neutral and non-polar, at codon 2232 of the DNAH8 protein (p.Val2232Gly). This variant is not present in population databases (gnomAD no frequency). This variant has not been reported in the literature in individuals affected with DNAH8-related conditions. ClinVar contains an entry for this variant (Variation ID: 2006264). Experimental studies and prediction algorithms are not available or were not evaluated, and the functional significance of this variant is currently unknown. In summary, the available evidence is currently insufficient to determine the role of this variant in disease. Therefore, it has been classified as a Variant of Uncertain Significance.

NM_001206927.2(DNAH8):c.6695T>G (p.Val2232Gly)

Gene: DNAH8 (dynein axonemal heavy chain 8; plus strand). Cytogenetic location: 6p21.2.
Variant type: single nucleotide variant.
Coding change: c.6695T>G on transcript NM_001206927.2 (MANE Select); coding-DNA position 6695, T replaced by G.
Protein change: p.Val2232Gly; replaces valine 2232 with glycine.
Molecular consequence: missense variant.
Genome position (GRCh38, 1-based): chr6:38,868,063, T>G. VCF-style: chr6-38868063-T-G. GRCh37 (hg19) VCF-style: chr6-38835839-T-G.
Other names: c.6044T>G, p.Val2015Gly (NM_001371.4); short protein forms V2232G, V2015G.
Identifiers: ClinVar variation 2006264 (VCV002006264.4), dbSNP rs2533047773, ClinGen allele CA364024943.